The following is an entry in ClinVar:

NM_001130438.3(SPTAN1):c.1215G>A (p.Glu405=)

Gene: SPTAN1 (spectrin alpha, non-erythrocytic 1; plus strand). Cytogenetic location: 9q34.11.
Variant type: single nucleotide variant.
Coding change: c.1215G>A on transcript NM_001130438.3 (MANE Select); coding-DNA position 1215, G replaced by A.
Protein change: p.Glu405=; no amino-acid change (glutamic acid 405 retained).
Molecular consequence: synonymous variant.
Genome position (GRCh38, 1-based): chr9:128,578,239, G>A. VCF-style: chr9-128578239-G-A. GRCh37 (hg19) VCF-style: chr9-131340518-G-A.
Other names: c.1215G>A, p.Glu405= (NM_001195532.2, NM_001363759.2, NM_001363765.2 and 1 more transcripts).
Identifiers: ClinVar variation 516695 (VCV000516695.11), dbSNP rs750970364, ClinGen allele CA5264332.

ClinVar aggregate classification (germline): Likely benign. Review status: criteria provided, multiple submitters, no conflicts (2 of 4 stars). 2 submissions from 2 submitters: Likely benign (2). Last evaluated 2025-11-06.

Conditions:
Early-infantile DEE. Also called: Early infantile epileptic encephalopathy with suppression bursts; Ohtahara syndrome; Early infantile epileptic encephalopathy. Identifiers: Orphanet 1934, MedGen C0393706, MONDO:0800491.

Allele frequency attached by ClinVar (database versions not stated): gnomAD exomes 0.00001; ExAC 0.00002; gnomAD 0.00003; TOPMed 0.00004.
gnomAD v4.1: 12 of 1,614,016 alleles (0.00074%); highest among the groups gnomAD compares: African/African-American, 0.011%; no homozygotes.

Submissions (2):

Labcorp Genetics (formerly Invitae), Labcorp
Classification: Likely benign for Early-infantile DEE. Last evaluated: 2025-11-06. Review status: criteria provided, single submitter. Criteria: Invitae Variant Classification Sherloc (09022015). Collection method: clinical testing. Allele origin: germline.

GeneDx
Classification: Likely benign. Last evaluated: 2017-06-28. Review status: criteria provided, single submitter. Criteria: GeneDx Variant Classification (06012015). Collection method: clinical testing. Allele origin: germline. Affected: yes.
Comment: This variant is considered likely benign or benign based on one or more of the following criteria: it is a conservative change, it occurs at a poorly conserved position in the protein, it is predicted to be benign by multiple in silico algorithms, and/or has population frequency not consistent with disease.